The following is an entry in ClinVar:

ClinVar aggregate classification (germline): Likely pathogenic (1 of 4 stars; one submission).

Submission:

Labcorp Genetics (formerly Invitae), Labcorp
Classification: Likely pathogenic. Last evaluated: 2024-01-22. Review status: criteria provided, single submitter. Criteria: Invitae Variant Classification Sherloc (09022015). Collection method: clinical testing. Allele origin: germline.
Comment: This sequence change affects an acceptor splice site in intron 9 of the NDUFS2 gene. It is expected to disrupt RNA splicing. Variants that disrupt the donor or acceptor splice site typically lead to a loss of protein function (PMID: 16199547), and loss-of-function variants in NDUFS2 are known to be pathogenic (PMID: 20818383, 31411514). This variant is not present in population databases (gnomAD no frequency). This variant has not been reported in the literature in individuals affected with NDUFS2-related conditions. ClinVar contains an entry for this variant (Variation ID: 2010294). Algorithms developed to predict the effect of sequence changes on RNA splicing suggest that this variant may disrupt the consensus splice site. In summary, the currently available evidence indicates that the variant is pathogenic, but additional data are needed to prove that conclusively. Therefore, this variant has been classified as Likely Pathogenic.

Literature cited by the submitters: PubMed 16199547; PubMed 20818383; PubMed 31411514.

NM_001377299.1(NDUFS2):c.867-1G>A

Gene: NDUFS2 (NADH:ubiquinone oxidoreductase core subunit S2; plus strand). Cytogenetic location: 1q23.3.
Variant type: single nucleotide variant.
Coding change: c.867-1G>A on transcript NM_001377299.1 (MANE Select); the canonical splice acceptor site of the intron before coding-DNA position 867, G replaced by A.
Molecular consequence: splice acceptor variant.
Genome position (GRCh38, 1-based): chr1:161,210,590, G>A. VCF-style: chr1-161210590-G-A. GRCh37 (hg19) VCF-style: chr1-161180380-G-A.
Other names: c.867-1G>A (NM_001377300.1, NM_001377298.1, NM_001377301.1 and 3 more transcripts); c.789-1G>A (NM_001410889.1).
Identifiers: ClinVar variation 2010294 (VCV002010294.4), dbSNP rs2525709329, ClinGen allele CA343381173.